The following is an entry in ClinVar:

NM_001844.5(COL2A1):c.1995+5G>A

Gene: COL2A1 (collagen type II alpha 1 chain; minus strand). Cytogenetic location: 12q13.11.
Variant type: single nucleotide variant.
Coding change: c.1995+5G>A on transcript NM_001844.5 (MANE Select); 5 bases into the intron after coding-DNA position 1995, G replaced by A.
Molecular consequence: intron variant.
Genome position (GRCh38, 1-based): chr12:47,983,678, C>T on the plus strand (G>A on the coding strand, the complement: COL2A1 is on the minus strand). VCF-style: chr12-47983678-C-T. GRCh37 (hg19) VCF-style: chr12-48377461-C-T.
Other names: c.1788+5G>A (NM_033150.3).
Identifiers: ClinVar variation 881694 (VCV000881694.7), dbSNP rs1449516565, ClinGen allele CA604851401.

ClinVar aggregate classification (germline): Uncertain significance. Review status: criteria provided, multiple submitters, no conflicts (2 of 4 stars). 3 submissions from 2 submitters: Uncertain significance (3). Last evaluated 2023-12-30.

Conditions:
Type 2 collagenopathy. Identifiers: Orphanet 93421, MedGen C2931073, MONDO:0022800.
Stickler syndrome type 1 (STL1). Also called: ARTHROOPHTHALMOPATHY, HEREDITARY PROGRESSIVE; STICKLER SYNDROME, MEMBRANOUS VITREOUS TYPE; STICKLER SYNDROME, VITREOUS TYPE 1; COL2A1-Related Stickler Syndrome. Identifiers: Orphanet 828, Orphanet 90653, MedGen C2020284, MONDO:0007160, OMIM 108300.

Allele frequency attached by ClinVar (database versions not stated): TOPMed below 0.00001.

Submissions (3):

Labcorp Genetics (formerly Invitae), Labcorp
Classification: Uncertain significance. Last evaluated: 2023-12-30. Review status: criteria provided, single submitter. Criteria: Invitae Variant Classification Sherloc (09022015). Collection method: clinical testing. Allele origin: germline.
Comment: This sequence change falls in intron 30 of the COL2A1 gene. It does not directly change the encoded amino acid sequence of the COL2A1 protein. It affects a nucleotide within the consensus splice site. This variant is not present in population databases (gnomAD no frequency). This variant has not been reported in the literature in individuals affected with COL2A1-related conditions. ClinVar contains an entry for this variant (Variation ID: 881694). Variants that disrupt the consensus splice site are a relatively common cause of aberrant splicing (PMID: 17576681, 9536098). Algorithms developed to predict the effect of sequence changes on RNA splicing suggest that this variant may disrupt the consensus splice site. In summary, the available evidence is currently insufficient to determine the role of this variant in disease. Therefore, it has been classified as a Variant of Uncertain Significance.

Illumina Laboratory Services, Illumina
Classification: Uncertain significance for Type II Collagenopathies. Last evaluated: 2018-01-13. Review status: criteria provided, single submitter. Criteria: ICSL Variant Classification Criteria 13 December 2019. Collection method: clinical testing. Allele origin: germline.

Illumina Laboratory Services, Illumina
Classification: Uncertain significance for Stickler syndrome type 1. Last evaluated: 2018-01-13. Review status: criteria provided, single submitter. Criteria: ICSL Variant Classification Criteria 13 December 2019. Collection method: clinical testing. Allele origin: germline.

Literature cited by the submitters: PubMed 17576681 (cited by Labcorp Genetics (formerly Invitae), Labcorp); PubMed 9536098 (cited by Labcorp Genetics (formerly Invitae), Labcorp).